The following is an entry in ClinVar:

ClinVar aggregate classification (germline): Uncertain significance. Review status: criteria provided, multiple submitters, no conflicts (2 of 4 stars). 6 submissions from 6 submitters: Uncertain significance (5). 1 of the submissions does not count toward it. Last evaluated 2025-12-29.

Conditions:
Usher syndrome type 2A. Also called: USHER SYNDROME, TYPE IIA; RETINAL DISEASE IN USHER SYNDROME TYPE IIA, MODIFIER OF. Identifiers: Orphanet 231178, Orphanet 886, MedGen C1848634, MONDO:0010169, OMIM 276901.
USH2A-related disorder. Also called: USH2A-related condition; USH2A-related disorders. Identifiers: MedGen CN239332.
Inborn genetic diseases. Identifiers: MedGen C0950123, MeSH D030342.

Allele frequency attached by ClinVar (database versions not stated): ExAC 0.00001; gnomAD exomes 0.00001; gnomAD 0.00007 and 0.00008; TOPMed 0.00008.
gnomAD v4.1: 25 of 1,613,860 alleles (0.0015%); highest among the groups gnomAD compares: African/African-American, 0.021%; no homozygotes.

Submissions (6):

PreventionGenetics, part of Exact Sciences
Classification: Uncertain significance for USH2A-related condition. Last evaluated: 2025-12-29. Review status: criteria provided, single submitter. Criteria: ACMG Guidelines, 2015. Collection method: clinical testing. Allele origin: germline.
Comment: The USH2A c.9772C>T variant is predicted to result in the amino acid substitution p.Arg3258Trp. To our knowledge, this variant has not been reported in the literature. This variant is reported in 0.020% of alleles in individuals of African descent in gnomAD. At this time, the clinical significance of this variant is uncertain due to the absence of conclusive functional and genetic evidence.

GeneDx
Classification: Uncertain significance. Last evaluated: 2024-09-16. Review status: criteria provided, single submitter. Criteria: GeneDx Variant Classification Process June 2021. Collection method: clinical testing. Allele origin: germline. Affected: yes.
Comment: In silico analysis supports that this missense variant has a deleterious effect on protein structure/function; Has not been previously published as pathogenic or benign to our knowledge

Labcorp Genetics (formerly Invitae), Labcorp
Classification: Uncertain significance. Last evaluated: 2024-07-22. Review status: criteria provided, single submitter. Criteria: Invitae Variant Classification Sherloc (09022015). Collection method: clinical testing. Allele origin: germline.
Comment: This sequence change replaces arginine, which is basic and polar, with tryptophan, which is neutral and slightly polar, at codon 3258 of the USH2A protein (p.Arg3258Trp). This variant is present in population databases (rs750218932, gnomAD 0.02%). This missense change has been observed in individual(s) with USH2A-related conditions (Invitae). ClinVar contains an entry for this variant (Variation ID: 852652). Advanced modeling of protein sequence and biophysical properties (such as structural, functional, and spatial information, amino acid conservation, physicochemical variation, residue mobility, and thermodynamic stability) performed at Invitae indicates that this missense variant is not expected to disrupt USH2A protein function with a negative predictive value of 95%. In summary, the available evidence is currently insufficient to determine the role of this variant in disease. Therefore, it has been classified as a Variant of Uncertain Significance.

Ambry Genetics
Classification: Uncertain significance for Inborn genetic diseases. Last evaluated: 2024-05-20. Review status: criteria provided, single submitter. Criteria: Ambry Variant Classification Scheme 2023. Collection method: clinical testing. Allele origin: germline.

Blueprint Genetics
Classification: Uncertain significance. Last evaluated: 2023-04-03. Review status: criteria provided, single submitter. Criteria: ACMG Guidelines, 2015. Collection method: clinical testing. Allele origin: germline.

Natera, Inc.
Classification: Uncertain significance for Usher syndrome type 2A. Last evaluated: 2020-01-24. Review status: no assertion criteria provided. Collection method: clinical testing. Allele origin: germline. Not counted in ClinVar's aggregate classification.

NM_206933.4(USH2A):c.9772C>T (p.Arg3258Trp)

Gene: USH2A (usherin; minus strand). Cytogenetic location: 1q41.
Variant type: single nucleotide variant.
Coding change: c.9772C>T on transcript NM_206933.4 (MANE Select); coding-DNA position 9772, C replaced by T.
Protein change: p.Arg3258Trp; replaces arginine 3258 with tryptophan.
Molecular consequence: missense variant.
Genome position (GRCh38, 1-based): chr1:215,799,093, G>A on the plus strand (C>T on the coding strand, the complement: USH2A is on the minus strand). VCF-style: chr1-215799093-G-A. GRCh37 (hg19) VCF-style: chr1-215972435-G-A.
Other names: short protein forms R3258W.
Identifiers: ClinVar variation 852652 (VCV000852652.13), dbSNP rs750218932, ClinGen allele CA1394204.